The following is an entry in ClinVar:

ClinVar aggregate classification (germline): Uncertain significance (1 of 4 stars; one submission).

Conditions:
Inborn genetic diseases. Identifiers: MedGen C0950123, MeSH D030342.

Submission:

Ambry Genetics
Classification: Uncertain significance for Inborn genetic diseases. Last evaluated: 2023-11-29. Review status: criteria provided, single submitter. Criteria: Ambry Variant Classification Scheme 2023. Collection method: clinical testing. Allele origin: germline.
Comment: The p.N762D variant (also known as c.2284A>G), located in coding exon 14 of the EPAS1 gene, results from an A to G substitution at nucleotide position 2284. The asparagine at codon 762 is replaced by aspartic acid, an amino acid with highly similar properties. This amino acid position is conserved. In addition, this alteration is predicted to be tolerated by in silico analysis. Since supporting evidence is limited at this time, the clinical significance of this alteration remains unclear.

NM_001430.5(EPAS1):c.2284A>G (p.Asn762Asp)

Gene: EPAS1 (endothelial PAS domain protein 1; plus strand). Cytogenetic location: 2p21.
Variant type: single nucleotide variant.
Coding change: c.2284A>G on transcript NM_001430.5 (MANE Select); coding-DNA position 2284, A replaced by G.
Protein change: p.Asn762Asp; replaces asparagine 762 with aspartic acid.
Molecular consequence: missense variant.
Genome position (GRCh38, 1-based): chr2:46,382,086, A>G. VCF-style: chr2-46382086-A-G. GRCh37 (hg19) VCF-style: chr2-46609225-A-G.
Other names: short protein forms N762D.
Identifiers: ClinVar variation 3221619 (VCV003221619.1), dbSNP rs2546480232, ClinGen allele CA346705923.